The following is an entry in ClinVar:

ClinVar aggregate classification (germline): Uncertain significance (1 of 4 stars; one submission).

Conditions:
Developmental and epileptic encephalopathy, 12 (DEE12). Identifiers: MedGen C3150988, MONDO:0013389, OMIM 613722.

Allele frequency attached by ClinVar (database versions not stated): gnomAD exomes 0.00001.

Submission:

Labcorp Genetics (formerly Invitae), Labcorp
Classification: Uncertain significance for Developmental and epileptic encephalopathy, 12. Last evaluated: 2023-07-29. Review status: criteria provided, single submitter. Criteria: Invitae Variant Classification Sherloc (09022015). Collection method: clinical testing. Allele origin: germline.
Comment: In summary, the available evidence is currently insufficient to determine the role of this variant in disease. Therefore, it has been classified as a Variant of Uncertain Significance. Algorithms developed to predict the effect of sequence changes on RNA splicing suggest that this variant may disrupt the consensus splice site. ClinVar contains an entry for this variant (Variation ID: 2164610). This variant has not been reported in the literature in individuals affected with PNKP-related conditions. This variant is not present in population databases (gnomAD no frequency). This sequence change falls in intron 12 of the PNKP gene. It does not directly change the encoded amino acid sequence of the PNKP protein.

NM_007254.4(PNKP):c.1127-9C>A

Gene: PNKP (polynucleotide kinase 3'-phosphatase; minus strand). Cytogenetic location: 19q13.33.
Variant type: single nucleotide variant.
Coding change: c.1127-9C>A on transcript NM_007254.4 (MANE Select); 9 bases into the intron before coding-DNA position 1127, C replaced by A.
Molecular consequence: intron variant.
Genome position (GRCh38, 1-based): chr19:49,862,114, G>T on the plus strand (C>A on the coding strand, the complement: PNKP is on the minus strand). VCF-style: chr19-49862114-G-T. GRCh37 (hg19) VCF-style: chr19-50365371-G-T.
Identifiers: ClinVar variation 2164610 (VCV002164610.4), dbSNP rs2074774809, ClinGen allele CA2340622607.
Genomic context (GRCh38, chr19:49,862,114, plus strand): 5'-TGGACATATCCGGCCGACACGAGGTGCTTCTTGAGAAAGGTGGACTTCCCGGCTGTGTGG[G>T]GGGCAGTGTCGGTGGGTGGCCTAGGACCCAGGCGGGGCTCAGGGCACGCGCACAGGAACA-3'